The following is an entry in ClinVar:

NM_172107.4(KCNQ2):c.1168C>G (p.Gln390Glu)

Gene: KCNQ2 (potassium voltage-gated channel subfamily Q member 2; minus strand). Cytogenetic location: 20q13.33.
Variant type: single nucleotide variant.
Coding change: c.1168C>G on transcript NM_172107.4 (MANE Select); coding-DNA position 1168, C replaced by G.
Protein change: p.Gln390Glu; replaces glutamine 390 with glutamic acid.
Molecular consequence: missense variant.
Genome position (GRCh38, 1-based): chr20:63,428,416, G>C on the plus strand (C>G on the coding strand, the complement: KCNQ2 is on the minus strand). VCF-style: chr20-63428416-G-C. GRCh37 (hg19) VCF-style: chr20-62059769-G-C.
Other names: c.1168C>G, p.Gln390Glu (NM_172106.3, NM_172108.5, NM_001382235.1); c.1138C>G, p.Gln380Glu (NM_004518.6); short protein forms Q380E, Q390E.
Identifiers: ClinVar variation 2571142 (VCV002571142.27), dbSNP rs2145637412, ClinGen allele CA409650008.

ClinVar aggregate classification (germline): Uncertain significance (1 of 4 stars; one submission).

Submission:

CeGaT Center for Human Genetics Tuebingen
Classification: Uncertain significance. Last evaluated: 2023-10-01. Review status: criteria provided, single submitter. Criteria: CeGaT Center For Human Genetics Tuebingen Variant Classification Criteria Version 2. Collection method: clinical testing. Allele origin: germline. Affected: yes. Observed: 5 variant alleles.
Comment: KCNQ2: PM2, PP1:Moderate, PP2